The following is an entry in ClinVar:

NM_182961.4(SYNE1):c.11989C>T (p.His3997Tyr)

Gene: SYNE1 (spectrin repeat containing nuclear envelope protein 1; minus strand). Cytogenetic location: 6q25.2.
Variant type: single nucleotide variant.
Coding change: c.11989C>T on transcript NM_182961.4 (MANE Select); coding-DNA position 11989, C replaced by T.
Protein change: p.His3997Tyr; replaces histidine 3997 with tyrosine.
Molecular consequence: missense variant.
Genome position (GRCh38, 1-based): chr6:152,347,148, G>A on the plus strand (C>T on the coding strand, the complement: SYNE1 is on the minus strand). VCF-style: chr6-152347148-G-A. GRCh37 (hg19) VCF-style: chr6-152668283-G-A.
Other names: c.11776C>T, p.His3926Tyr (NM_033071.5); short protein forms H3926Y, H3997Y.
Identifiers: ClinVar variation 3361179 (VCV003361179.1).
Genomic context (GRCh38, chr6:152,347,148, plus strand): 5'-AGCTGTCCTTTGTGCCCTGCAGATGAGCATGCACGTTTTGTTTAAGTTTCGCTTGCAGGT[G>A]GTCTGCACATTGGCCAATCAAAGTATCACCTTTCATTTGAAGATTGTTCAAACGGTCTTC-3'
Protein context (NP_892006.3, residues 3987-4007): GDTLIGQCAD[His3997Tyr]LQAKLKQNVH

ClinVar aggregate classification (germline): Uncertain significance (1 of 4 stars; one submission).

Submission:

GeneDx
Classification: Uncertain significance. Last evaluated: 2023-07-24. Review status: criteria provided, single submitter. Criteria: GeneDx Variant Classification Process June 2021. Collection method: clinical testing. Allele origin: germline. Affected: yes.
Comment: Not observed at significant frequency in large population cohorts (gnomAD); In silico analysis supports that this missense variant does not alter protein structure/function; Has not been previously published as pathogenic or benign to our knowledge